The following is an entry in ClinVar:

ClinVar aggregate classification (germline): Uncertain significance (1 of 4 stars; one submission).

Conditions:
Combined immunodeficiency due to STK4 deficiency (IMD110). Also called: T-cell immunodeficiency, recurrent infections, and autoimmunity with or without cardiac malformations; STK4 DEFICIENCY; MST1 DEFICIENCY. Identifiers: Orphanet 314689, MedGen C3553943, MONDO:0013934, OMIM 614868.

Allele frequency attached by ClinVar (database versions not stated): gnomAD exomes 0.00001; TOPMed 0.00003; gnomAD 0.00001.
gnomAD v4.1: 3 of 1,273,118 alleles (0.00024%); highest among the groups gnomAD compares: South Asian, 0.0031%; no homozygotes.

Submission:

Labcorp Genetics (formerly Invitae), Labcorp
Classification: Uncertain significance for Combined immunodeficiency due to STK4 deficiency. Last evaluated: 2025-10-09. Review status: criteria provided, single submitter. Criteria: Invitae Variant Classification Sherloc (09022015). Collection method: clinical testing. Allele origin: germline.
Comment: This sequence change replaces proline, which is neutral and non-polar, with leucine, which is neutral and non-polar, at codon 10 of the STK4 protein (p.Pro10Leu). This variant is present in population databases (no rsID available, gnomAD 0.01%). This variant has not been reported in the literature in individuals affected with STK4-related conditions. ClinVar contains an entry for this variant (Variation ID: 2192104). Invitae Evidence Modeling of protein sequence and biophysical properties (such as structural, functional, and spatial information, amino acid conservation, physicochemical variation, residue mobility, and thermodynamic stability) indicates that this missense variant is not expected to disrupt STK4 protein function with a negative predictive value of 95%. In summary, the available evidence is currently insufficient to determine the role of this variant in disease. Therefore, it has been classified as a Variant of Uncertain Significance.

NM_006282.5(STK4):c.29C>T (p.Pro10Leu)

Gene: STK4 (serine/threonine kinase 4; plus strand). Cytogenetic location: 20q13.12.
Variant type: single nucleotide variant.
Coding change: c.29C>T on transcript NM_006282.5 (MANE Select); coding-DNA position 29, C replaced by T.
Protein change: p.Pro10Leu; replaces proline 10 with leucine.
Molecular consequence: missense variant. On other transcripts: non-coding transcript variant (2).
Genome position (GRCh38, 1-based): chr20:44,966,597, C>T. VCF-style: chr20-44966597-C-T. GRCh37 (hg19) VCF-style: chr20-43595238-C-T.
Other names: c.29C>T, p.Pro10Leu (NM_001352385.2); short protein forms P10L.
Identifiers: ClinVar variation 2192104 (VCV002192104.4), dbSNP rs1203443460, ClinGen allele CA409146362.